The following is an entry in ClinVar:

ClinVar aggregate classification (germline): Uncertain significance (1 of 4 stars; one submission).

Conditions:
Amyotrophic lateral sclerosis type 21. Also called: VOCAL CORD AND PHARYNGEAL DYSFUNCTION WITH DISTAL MYOPATHY; MYOPATHY, DISTAL, 2. Identifiers: Orphanet 600, Orphanet 803, MedGen C3807521, MONDO:0011632, OMIM 606070.

Submission:

Labcorp Genetics (formerly Invitae), Labcorp
Classification: Uncertain significance for Amyotrophic lateral sclerosis type 21. Last evaluated: 2021-11-26. Review status: criteria provided, single submitter. Criteria: Invitae Variant Classification Sherloc (09022015). Collection method: clinical testing. Allele origin: germline.
Comment: This sequence change replaces serine, which is neutral and polar, with threonine, which is neutral and polar, at codon 62 of the MATR3 protein (p.Ser62Thr). In summary, the available evidence is currently insufficient to determine the role of this variant in disease. Therefore, it has been classified as a Variant of Uncertain Significance. Algorithms developed to predict the effect of missense changes on protein structure and function are either unavailable or do not agree on the potential impact of this missense change (SIFT: "Deleterious"; PolyPhen-2: "Possibly Damaging"; Align-GVGD: "Class C0"). This variant has not been reported in the literature in individuals affected with MATR3-related conditions. This variant is not present in population databases (gnomAD no frequency).

NM_018834.6(MATR3):c.184T>A (p.Ser62Thr)

Gene: MATR3 (matrin 3; plus strand). Cytogenetic location: 5q31.2.
Variant type: single nucleotide variant.
Coding change: c.184T>A on transcript NM_018834.6 (MANE Select); coding-DNA position 184, T replaced by A.
Protein change: p.Ser62Thr; replaces serine 62 with threonine.
Molecular consequence: missense variant. On other transcripts: intron variant (2).
Genome position (GRCh38, 1-based): chr5:139,307,599, T>A. VCF-style: chr5-139307599-T-A. GRCh37 (hg19) VCF-style: chr5-138643288-T-A.
Other names: c.184T>A, p.Ser62Thr (NM_001194954.2, NM_001194955.2, NM_199189.3); c.-102-7076T>A (NM_001282278.2); c.49-7076T>A (NM_001194956.2); short protein forms S62T.
Identifiers: ClinVar variation 1505848 (VCV001505848.6), dbSNP rs1357612214, ClinGen allele CA361486699.
Genomic context (GRCh38, chr5:139,307,599, plus strand): 5'-CTTGGAAGGATGAACCAGGGTACTGCACGCCTTGCTAGTTTAATGAATCTTGGAATGAGT[T>A]CTTCATTGAATCAACAAGGAGCTCATAGTGCACTGTCTTCTGCTAGTACTTCTTCCCATA-3'
Protein context (NP_061322.2, residues 52-72): LASLMNLGMS[Ser62Thr]SLNQQGAHSA